The following is an entry in ClinVar:

NM_001267550.2(TTN):c.85408_85409del (p.Leu28470fs)

Genes: TTN (titin; minus strand), TTN-AS1 (TTN antisense RNA 1; plus strand). Cytogenetic location: 2q31.2.
Variant type: Microsatellite.
Coding change: c.85408_85409del on transcript NM_001267550.2 (MANE Select); coding-DNA positions 85408 to 85409, 2 bases deleted (CT; older notation c.85408_85409delCT).
Protein change: p.Leu28470fs; shifts the reading frame from leucine 28470.
Molecular consequence: frameshift variant.
Genome position (GRCh38, 1-based): chr2:178,560,723-178,560,724, AG deleted on the plus strand (CT on the coding strand, the reverse complement: TTN is on the minus strand); deleting any 2 consecutive bases within chr2:178,560,723-178,560,728 gives the same sequence; the c. name uses the placement nearest the transcript's 3' end. VCF-style (leftmost placement, unchanged base first): chr2-178560722-AAG-A. GRCh37 (hg19) VCF-style: chr2-179425449-AAG-A.
Other names: c.80485_80486del, p.Leu26829fs (NM_001256850.1); c.58213_58214del, p.Leu19405fs (NM_003319.4); c.77704_77705del, p.Leu25902fs (NM_133378.4); c.58588_58589del, p.Leu19530fs (NM_133432.3); c.58789_58790del, p.Leu19597fs (NM_133437.4); c.58213_58214delCT (NM_003319.4); short protein forms L19405fs, L19597fs, L25902fs, L19530fs, L26829fs, L28470fs.
Identifiers: ClinVar variation 1494444 (VCV001494444.10), dbSNP rs2154159007, ClinGen allele CA430248452.
Genomic context (GRCh38, chr2:178,560,722, plus strand): 5'-TTTTTCTACGATGTAATAGTCGATATCTGCACCACCATCTTCTTGGGGACGTCCCCAGGA[AAG>A]AGAGCATTTCTCAGCAGTGAGGCCATTTATTTCAAGTGGTCCTGCTGGTGGACCAGGCTT-3'

ClinVar aggregate classification (germline): Likely pathogenic. Review status: criteria provided, multiple submitters, no conflicts (2 of 4 stars). 3 submissions from 3 submitters: Likely pathogenic (3). Last evaluated 2025-03-19.

Conditions:
Dilated cardiomyopathy 1G (CMD1G). Identifiers: Orphanet 154, MedGen C1858763, MONDO:0011400, OMIM 604145.
Autosomal recessive limb-girdle muscular dystrophy type 2J (LGMDR10). Also called: Limb-girdle muscular dystrophy, type 2J; MUSCULAR DYSTROPHY, LIMB-GIRDLE, AUTOSOMAL RECESSIVE 10. Identifiers: Orphanet 140922, MedGen C1837342, MONDO:0012127, OMIM 608807.
Cardiovascular phenotype. Identifiers: MedGen CN230736.

Submissions (3):

Labcorp Genetics (formerly Invitae), Labcorp
Classification: Likely pathogenic for Dilated cardiomyopathy 1G; Autosomal recessive limb-girdle muscular dystrophy type 2J. Last evaluated: 2025-03-19. Review status: criteria provided, single submitter. Criteria: Invitae Variant Classification Sherloc (09022015). Collection method: clinical testing. Allele origin: germline.
Comment: This sequence change creates a premature translational stop signal (p.Leu28470Phefs*22) in the TTN gene. While this is not anticipated to result in nonsense mediated decay, it is expected to create a truncated TTN protein. This variant is not present in population databases (gnomAD no frequency). This variant has not been reported in the literature in individuals affected with TTN-related conditions. ClinVar contains an entry for this variant (Variation ID: 1494444). This variant is located in the A band of TTN (PMID: 25589632). Truncating variants in this region are significantly overrepresented in patients affected with dilated cardiomyopathy (PMID: 25589632). Truncating variants in this region have also been reported in individuals affected with autosomal recessive centronuclear myopathy (PMID: 23975875). In summary, the currently available evidence indicates that the variant is pathogenic, but additional data are needed to prove that conclusively. Therefore, this variant has been classified as Likely Pathogenic.

Revvity Omics, Revvity
Classification: Likely pathogenic. Last evaluated: 2023-02-27. Review status: criteria provided, single submitter. Criteria: ACMG Guidelines, 2015. Collection method: clinical testing. Allele origin: germline.

Ambry Genetics
Classification: Likely pathogenic for Cardiovascular phenotype. Last evaluated: 2021-07-16. Review status: criteria provided, single submitter. Criteria: Ambry Variant Classification Scheme 2023. Collection method: clinical testing. Allele origin: germline.
Comment: The c.58213_58214delCT variant, located in coding exon 153 of the TTN gene, results from a deletion of two nucleotides at nucleotide positions 58213 to 58214, causing a translational frameshift with a predicted alternate stop codon (p.L19405Ffs*22). This exon is located in the A-band region of the N2-B isoform of the titin protein and is constitutively expressed in TTN transcripts (percent spliced in or PSI 100%). This alteration is expected to result in loss of function by premature protein truncation or nonsense-mediated mRNA decay. While truncating variants in TTN are present in 1-3% of the general population, truncating variants in the A-band are the most common cause of dilated cardiomyopathy (DCM) (Herman DS et al. N. Engl. J. Med., 2012 Feb;366:619-28; Roberts AM et al. Sci Transl Med, 2015 Jan;7:270ra6). TTN truncating variants encoded in constitutive exons (PSI >90%) have been found to be significantly associated with DCM regardless of their position in titin (Schafer S et al. Nat. Genet., 2017 01;49:46-53). As such, this alteration is classified as likely pathogenic.

Literature cited by the submitters: PubMed 25589632 (cited by Labcorp Genetics (formerly Invitae), Labcorp); PubMed 23975875 (cited by Labcorp Genetics (formerly Invitae), Labcorp).